The following is an entry in ClinVar:

NM_002067.5(GNA11):c.287C>T (p.Thr96Met)

Gene: GNA11 (G protein subunit alpha 11; plus strand). Cytogenetic location: 19p13.3.
Variant type: single nucleotide variant.
Coding change: c.287C>T on transcript NM_002067.5 (MANE Select); coding-DNA position 287, C replaced by T.
Protein change: p.Thr96Met; replaces threonine 96 with methionine.
Molecular consequence: missense variant.
Genome position (GRCh38, 1-based): chr19:3,110,299, C>T. VCF-style: chr19-3110299-C-T. GRCh37 (hg19) VCF-style: chr19-3110297-C-T.
Other names: c.287C>T (NM_002067.2); short protein forms T96M.
Identifiers: ClinVar variation 962298 (VCV000962298.10), dbSNP rs756991534, ClinGen allele CA9074775.

ClinVar aggregate classification (germline): Uncertain significance. Review status: criteria provided, multiple submitters, no conflicts (2 of 4 stars). 3 submissions from 3 submitters: Uncertain significance (3). Last evaluated 2025-11-12.

Conditions:
Autosomal dominant hypocalcemia 2. Identifiers: Orphanet 2238, Orphanet 428, MedGen C3809243, MONDO:0014146, OMIM 615361.
Familial hypocalciuric hypercalcemia 2. Also called: FAMILIAL BENIGN HYPERCALCEMIA, TYPE II; Hypocalciuric hypercalcemia, type II; Hypocalciuric hypercalcemia, familial, type II. Identifiers: Orphanet 101049, Orphanet 405, MedGen C1840347, MONDO:0007792, OMIM 145981.
Inborn genetic diseases. Identifiers: MedGen C0950123, MeSH D030342.

Allele frequency attached by ClinVar (database versions not stated): gnomAD exomes 0.00002 and 0.00004; gnomAD 0.00004 and 0.00005; ExAC 0.00005; TOPMed 0.00008.
gnomAD v4.1: 35 of 1,613,824 alleles (0.0022%); highest among the groups gnomAD compares: East Asian, 0.0089%; 1 homozygote.

Submissions (3):

Labcorp Genetics (formerly Invitae), Labcorp
Classification: Uncertain significance. Last evaluated: 2025-11-12. Review status: criteria provided, single submitter. Criteria: Invitae Variant Classification Sherloc (09022015). Collection method: clinical testing. Allele origin: germline.
Comment: This sequence change replaces threonine, which is neutral and polar, with methionine, which is neutral and non-polar, at codon 96 of the GNA11 protein (p.Thr96Met). This variant is present in population databases (rs756991534, gnomAD 0.04%). This variant has not been reported in the literature in individuals affected with GNA11-related conditions. ClinVar contains an entry for this variant (Variation ID: 962298). Invitae Evidence Modeling of protein sequence and biophysical properties (such as structural, functional, and spatial information, amino acid conservation, physicochemical variation, residue mobility, and thermodynamic stability) indicates that this missense variant is not expected to disrupt GNA11 protein function with a negative predictive value of 80%. In summary, the available evidence is currently insufficient to determine the role of this variant in disease. Therefore, it has been classified as a Variant of Uncertain Significance.

Ambry Genetics
Classification: Uncertain significance for Inborn genetic diseases. Last evaluated: 2025-04-03. Review status: criteria provided, single submitter. Criteria: Ambry Variant Classification Scheme 2023. Collection method: clinical testing. Allele origin: germline.

Fulgent Genetics
Classification: Uncertain significance for Familial hypocalciuric hypercalcemia 2; Autosomal dominant hypocalcemia 2. Last evaluated: 2021-12-23. Review status: criteria provided, single submitter. Criteria: ACMG Guidelines, 2015. Collection method: clinical testing. Allele origin: unknown.